The following is an entry in ClinVar:

NM_145691.4(ATPAF2):c.313A>G (p.Thr105Ala)

Gene: ATPAF2 (ATP synthase mitochondrial F1 complex assembly factor 2; minus strand). Cytogenetic location: 17p11.2.
Variant type: single nucleotide variant.
Coding change: c.313A>G on transcript NM_145691.4 (MANE Select); coding-DNA position 313, A replaced by G.
Protein change: p.Thr105Ala; replaces threonine 105 with alanine.
Molecular consequence: missense variant.
Genome position (GRCh38, 1-based): chr17:18,028,243, T>C on the plus strand (A>G on the coding strand, the complement: ATPAF2 is on the minus strand). VCF-style: chr17-18028243-T-C. GRCh37 (hg19) VCF-style: chr17-17931557-T-C.
Other names: c.313A>G (NM_145691.3); short protein forms T105A.
Identifiers: ClinVar variation 2184691 (VCV002184691.5), dbSNP rs766035488, ClinGen allele CA8421931.

ClinVar aggregate classification (germline): Uncertain significance. Review status: criteria provided, multiple submitters, no conflicts (2 of 4 stars). 2 submissions from 2 submitters: Uncertain significance (2). Last evaluated 2025-11-03.

Allele frequency attached by ClinVar (database versions not stated): TOPMed below 0.00001; ExAC 0.00002; gnomAD exomes 0.00002.
gnomAD v4.1: 10 of 1,614,170 alleles (0.00062%); highest among the groups gnomAD compares: Admixed American, 0.017%; no homozygotes.

Submissions (2):

Ambry Genetics
Classification: Uncertain significance. Last evaluated: 2025-11-03. Review status: criteria provided, single submitter. Criteria: Ambry Variant Classification Scheme 2023. Collection method: clinical testing. Allele origin: germline.

Labcorp Genetics (formerly Invitae), Labcorp
Classification: Uncertain significance. Last evaluated: 2025-01-06. Review status: criteria provided, single submitter. Criteria: Invitae Variant Classification Sherloc (09022015). Collection method: clinical testing. Allele origin: germline.
Comment: This sequence change replaces threonine, which is neutral and polar, with alanine, which is neutral and non-polar, at codon 105 of the ATPAF2 protein (p.Thr105Ala). This variant is present in population databases (rs766035488, gnomAD 0.03%). This variant has not been reported in the literature in individuals affected with ATPAF2-related conditions. ClinVar contains an entry for this variant (Variation ID: 2184691). Invitae Evidence Modeling of protein sequence and biophysical properties (such as structural, functional, and spatial information, amino acid conservation, physicochemical variation, residue mobility, and thermodynamic stability) indicates that this missense variant is not expected to disrupt ATPAF2 protein function with a negative predictive value of 80%. In summary, the available evidence is currently insufficient to determine the role of this variant in disease. Therefore, it has been classified as a Variant of Uncertain Significance.